The following is an entry in ClinVar:

ClinVar aggregate classification (germline): Uncertain significance (1 of 4 stars; one submission).

Submission:

Labcorp Genetics (formerly Invitae), Labcorp
Classification: Uncertain significance. Last evaluated: 2022-02-10. Review status: criteria provided, single submitter. Criteria: Invitae Variant Classification Sherloc (09022015). Collection method: clinical testing. Allele origin: germline.
Comment: This sequence change falls in intron 19 of the DCHS1 gene. It does not directly change the encoded amino acid sequence of the DCHS1 protein. It affects a nucleotide within the consensus splice site. This variant is not present in population databases (gnomAD no frequency). This variant has not been reported in the literature in individuals affected with DCHS1-related conditions. Variants that disrupt the consensus splice site are a relatively common cause of aberrant splicing (PMID: 17576681, 9536098). Algorithms developed to predict the effect of sequence changes on RNA splicing suggest that this variant may disrupt the consensus splice site. In summary, the available evidence is currently insufficient to determine the role of this variant in disease. Therefore, it has been classified as a Variant of Uncertain Significance.

Literature cited by the submitters: PubMed 17576681; PubMed 9536098.

NM_003737.4(DCHS1):c.7146+3A>T

Gene: DCHS1 (dachsous cadherin-related 1; minus strand). Cytogenetic location: 11p15.4.
Variant type: single nucleotide variant.
Coding change: c.7146+3A>T on transcript NM_003737.4 (MANE Select); 3 bases into the intron after coding-DNA position 7146, A replaced by T.
Molecular consequence: intron variant.
Genome position (GRCh38, 1-based): chr11:6,625,195, T>A on the plus strand (A>T on the coding strand, the complement: DCHS1 is on the minus strand). VCF-style: chr11-6625195-T-A. GRCh37 (hg19) VCF-style: chr11-6646426-T-A.
Identifiers: ClinVar variation 1402272 (VCV001402272.6), dbSNP rs2134615473, ClinGen allele CA2573147080.